The following is an entry in ClinVar:

ClinVar aggregate classification (germline): Uncertain significance (1 of 4 stars; one submission).

Conditions:
Hereditary nonpolyposis colorectal neoplasms. Identifiers: MedGen C0009405, MeSH D003123.

Submission:

Labcorp Genetics (formerly Invitae), Labcorp
Classification: Uncertain significance for Hereditary nonpolyposis colorectal neoplasms. Last evaluated: 2025-04-17. Review status: criteria provided, single submitter. Criteria: Invitae Variant Classification Sherloc (09022015). Collection method: clinical testing. Allele origin: germline.
Comment: This sequence change replaces arginine, which is basic and polar, with serine, which is neutral and polar, at codon 554 of the MSH6 protein (p.Arg554Ser). This variant is not present in population databases (gnomAD no frequency). This variant has not been reported in the literature in individuals affected with MSH6-related conditions. Invitae Evidence Modeling of protein sequence and biophysical properties (such as structural, functional, and spatial information, amino acid conservation, physicochemical variation, residue mobility, and thermodynamic stability) indicates that this missense variant is not expected to disrupt MSH6 protein function with a negative predictive value of 95%. In summary, the available evidence is currently insufficient to determine the role of this variant in disease. Therefore, it has been classified as a Variant of Uncertain Significance.

NM_000179.3(MSH6):c.1660C>A (p.Arg554Ser)

Gene: MSH6 (mutS homolog 6; plus strand). Cytogenetic location: 2p16.3.
Variant type: single nucleotide variant.
Coding change: c.1660C>A on transcript NM_000179.3 (MANE Select); coding-DNA position 1660, C replaced by A.
Protein change: p.Arg554Ser; replaces arginine 554 with serine.
Molecular consequence: missense variant. On other transcripts: non-coding transcript variant (4), intron variant (2).
Genome position (GRCh38, 1-based): chr2:47,799,643, C>A. VCF-style: chr2-47799643-C-A. GRCh37 (hg19) VCF-style: chr2-48026782-C-A.
Other names: c.1270C>A, p.Arg424Ser (NM_001281492.2); c.754C>A, p.Arg252Ser (NM_001281493.2, NM_001281494.2, NM_001406811.1 and 6 more transcripts); c.1756C>A, p.Arg586Ser (NM_001406795.1, NM_001406802.1); c.1660C>A, p.Arg554Ser (NM_001406796.1, NM_001406798.1, NM_001406800.1 and 3 more transcripts); c.1363C>A, p.Arg455Ser (NM_001406797.1, NM_001406801.1, NM_001406805.1 and 10 more transcripts); c.1135C>A, p.Arg379Ser (NM_001406799.1, NM_001406806.1, NM_001406807.1); c.1582C>A, p.Arg528Ser (NM_001406804.1); c.1666C>A, p.Arg556Ser (NM_001406813.1); and 3 more; short protein forms R252S, R379S, R424S, R455S, R498S, R528S, R554S, R556S.
Identifiers: ClinVar variation 4800203 (VCV004800203.1).